The following is an entry in ClinVar:

ClinVar aggregate classification (germline): Uncertain significance. Review status: criteria provided, multiple submitters, no conflicts (2 of 4 stars). 2 submissions from 2 submitters: Uncertain significance (2). Last evaluated 2025-01-24.

Conditions:
Epidermolysis bullosa simplex 5B, with muscular dystrophy (EBS5B). Also called: Epidermolysis bullosa simplex with muscular dystrophy; EPIDERMOLYSIS BULLOSA SIMPLEX AND LIMB-GIRDLE MUSCULAR DYSTROPHY. Identifiers: Orphanet 257, MedGen C2931072, MONDO:0009181, OMIM 226670.
Epidermolysis bullosa simplex with nail dystrophy (EBS5D). Identifiers: MedGen C4225309, MONDO:0014661, OMIM 616487.
Epidermolysis bullosa simplex, Ogna type (EBS5A). Also called: Pidermolysis bullosa simplex 5A, Ogna type; EPIDERMOLYSIS BULLOSA SIMPLEX 5A, OGNA TYPE. Identifiers: Orphanet 79401, MedGen C0432317, MONDO:0007555, OMIM 131950.
Epidermolysis bullosa simplex 5C, with pyloric atresia (EBS5C). Also called: PLEC1-Related Epidermolysis Bullosa with Pyloric Atresia; PLEC-Related Epidermolysis Bullosa with Pyloric Atresia; Epidermolysis bullosa simplex with pyloric atresia. Identifiers: Orphanet 158684, MedGen C2677349, MONDO:0012807, OMIM 612138.
Autosomal recessive limb-girdle muscular dystrophy type 2Q (LGMDR17). Also called: MUSCULAR DYSTROPHY, LIMB-GIRDLE, AUTOSOMAL RECESSIVE 17. Identifiers: Orphanet 254361, MedGen C3150989, MONDO:0013390, OMIM 613723.

Submissions (2):

Labcorp Genetics (formerly Invitae), Labcorp
Classification: Uncertain significance for Autosomal recessive limb-girdle muscular dystrophy type 2Q; Epidermolysis bullosa simplex, Ogna type; Epidermolysis bullosa simplex with nail dystrophy; Epidermolysis bullosa simplex 5C, with pyloric atresia; Epidermolysis bullosa simplex 5B, with muscular dystrophy. Last evaluated: 2025-01-24. Review status: criteria provided, single submitter. Criteria: Invitae Variant Classification Sherloc (09022015). Collection method: clinical testing. Allele origin: germline.
Comment: This variant, c.8980_8985dup, results in the insertion of 2 amino acid(s) of the PLEC protein (p.Glu2994_Gln2995dup), but otherwise preserves the integrity of the reading frame. This variant is not present in population databases (gnomAD no frequency). This variant has not been reported in the literature in individuals affected with PLEC-related conditions. Experimental studies and prediction algorithms are not available or were not evaluated, and the functional significance of this variant is currently unknown. In summary, the available evidence is currently insufficient to determine the role of this variant in disease. Therefore, it has been classified as a Variant of Uncertain Significance.

Blueprint Genetics
Classification: Uncertain significance. Last evaluated: 2021-08-15. Review status: criteria provided, single submitter. Criteria: ACMG Guidelines, 2015. Collection method: clinical testing. Allele origin: germline.

NM_201384.3(PLEC):c.8893GAGCAG[3] (p.Gln2968_Lys2969insGluGln)

Gene: PLEC (plectin; minus strand). Cytogenetic location: 8q24.3.
Variant type: Microsatellite.
Coding change: c.8893GAGCAG[3] on transcript NM_201384.3 (MANE Select); three copies in a row of the 6-base unit GAGCAG starting at c.8893; the reference has two copies in a row; one copy, 6 bases duplicated.
Protein change: p.Gln2968_Lys2969insGluGln.
Molecular consequence: inframe insertion.
Genome position (GRCh38, 1-based): chr8:143,920,917-143,920,922, CTGCTC duplicated on the plus strand (GAGCAG on the coding strand, the reverse complement: PLEC is on the minus strand); duplicating any 6 consecutive bases within chr8:143,920,917-143,920,930 gives the same sequence; the position shown is the placement nearest the transcript's 3' end. VCF-style (leftmost placement, unchanged base first): chr8-143920916-T-TCTGCTC. GRCh37 (hg19) VCF-style: chr8-144995084-T-TCTGCTC.
Other names: c.8974GAGCAG[3], p.Gln2995_Lys2996insGluGln (NM_000445.5); c.5593GAGCAG[3], p.Gln1868_Lys1869insGluGln (NM_001410941.1); c.8851GAGCAG[3], p.Gln2954_Lys2955insGluGln (NM_201378.4); c.8827GAGCAG[3], p.Gln2946_Lys2947insGluGln (NM_201379.3); c.9304GAGCAG[3], p.Gln3105_Lys3106insGluGln (NM_201380.4); c.8797GAGCAG[3], p.Gln2936_Lys2937insGluGln (NM_201381.3); c.8893GAGCAG[3], p.Gln2968_Lys2969insGluGln (NM_201382.4); c.8905GAGCAG[3], p.Gln2972_Lys2973insGluGln (NM_201383.3).
Identifiers: ClinVar variation 3758247 (VCV003758247.3).
Genomic context (GRCh38, chr8:143,920,916, plus strand): 5'-TCTCCAGCAGCTCGGCGGCTGGCACCAGGCTGCGCAGGCCCTCAAAGCAAAGCCGGCCCT[T>TCTGCTC]CTGCTCCTGCTCCTCCACCACCGTGATGATGATCTTGATGATCTTCTCCACTGTGATCCG-3'